The following is an entry in ClinVar:

ClinVar aggregate classification (germline): Uncertain significance (1 of 4 stars; one submission).

Submission:

GeneDx
Classification: Uncertain significance. Last evaluated: 2022-05-10. Review status: criteria provided, single submitter. Criteria: GeneDx Variant Classification Process June 2021. Collection method: clinical testing. Allele origin: germline. Affected: yes.
Comment: Not observed at significant frequency in large population cohorts (gnomAD); Nonsense variant predicted to result in protein truncation or nonsense mediated decay in a gene or region of a gene for which loss of function is not a well-established mechanism of disease; Has not been previously published as pathogenic or benign to our knowledge

NM_001348768.2(HECW2):c.640C>T (p.Gln214Ter)

Gene: HECW2 (HECT, C2 and WW domain containing E3 ubiquitin protein ligase 2; minus strand). Cytogenetic location: 2q32.3.
Variant type: single nucleotide variant.
Coding change: c.640C>T on transcript NM_001348768.2 (MANE Select); coding-DNA position 640, C replaced by T.
Protein change: p.Gln214Ter; replaces glutamine 214 with a stop codon.
Molecular consequence: nonsense. On other transcripts: intron variant (1).
Genome position (GRCh38, 1-based): chr2:196,325,081, G>A on the plus strand (C>T on the coding strand, the complement: HECW2 is on the minus strand). VCF-style: chr2-196325081-G-A. GRCh37 (hg19) VCF-style: chr2-197189805-G-A.
Other names: c.640C>T, p.Gln214Ter (NM_020760.4); c.-325-3C>T (NM_001304840.3); short protein forms Q214*.
Identifiers: ClinVar variation 1806536 (VCV001806536.1), dbSNP rs2469073406, ClinGen allele CA349969700.